The following is an entry in ClinVar:

NM_004104.5(FASN):c.4603A>G (p.Thr1535Ala)

Gene: FASN (fatty acid synthase; minus strand). Cytogenetic location: 17q25.3.
Variant type: single nucleotide variant.
Coding change: c.4603A>G on transcript NM_004104.5 (MANE Select); coding-DNA position 4603, A replaced by G.
Protein change: p.Thr1535Ala; replaces threonine 1535 with alanine.
Molecular consequence: missense variant.
Genome position (GRCh38, 1-based): chr17:82,084,678, T>C on the plus strand (A>G on the coding strand, the complement: FASN is on the minus strand). VCF-style: chr17-82084678-T-C. GRCh37 (hg19) VCF-style: chr17-80042554-T-C.
Other names: c.4603A>G (NM_004104.4); short protein forms T1535A.
Identifiers: ClinVar variation 3628590 (VCV003628590.2).

ClinVar aggregate classification (germline): Uncertain significance. Review status: criteria provided, multiple submitters, no conflicts (2 of 4 stars). 2 submissions from 2 submitters: Uncertain significance (2). Last evaluated 2025-09-28.

Conditions:
Epileptic encephalopathy. Identifiers: MedGen C0543888, HP:0200134.

Submissions (2):

Ambry Genetics
Classification: Uncertain significance. Last evaluated: 2025-09-28. Review status: criteria provided, single submitter. Criteria: Ambry Variant Classification Scheme 2023. Collection method: clinical testing. Allele origin: germline.

Labcorp Genetics (formerly Invitae), Labcorp
Classification: Uncertain significance for Epileptic encephalopathy. Last evaluated: 2024-02-02. Review status: criteria provided, single submitter. Criteria: Invitae Variant Classification Sherloc (09022015). Collection method: clinical testing. Allele origin: germline.
Comment: This sequence change replaces threonine, which is neutral and polar, with alanine, which is neutral and non-polar, at codon 1535 of the FASN protein (p.Thr1535Ala). This variant is present in population databases (no rsID available, gnomAD 0.001%). This variant has not been reported in the literature in individuals affected with FASN-related conditions. An algorithm developed to predict the effect of missense changes on protein structure and function (PolyPhen-2) suggests that this variant¬†is likely to be tolerated. In summary, the available evidence is currently insufficient to determine the role of this variant in disease. Therefore, it has been classified as a Variant of Uncertain Significance.